The following is an entry in ClinVar:

NM_000094.4(COL7A1):c.8817A>G (p.Thr2939=)

Gene: COL7A1 (collagen type VII alpha 1 chain; minus strand). Cytogenetic location: 3p21.31.
Variant type: single nucleotide variant.
Coding change: c.8817A>G on transcript NM_000094.4 (MANE Select); coding-DNA position 8817, A replaced by G.
Protein change: p.Thr2939=; no amino-acid change (threonine 2939 retained).
Molecular consequence: synonymous variant.
Genome position (GRCh38, 1-based): chr3:48,564,784, T>C on the plus strand (A>G on the coding strand, the complement: COL7A1 is on the minus strand). VCF-style: chr3-48564784-T-C. GRCh37 (hg19) VCF-style: chr3-48602217-T-C.
Identifiers: ClinVar variation 989691 (VCV000989691.3), dbSNP rs766321543, ClinGen allele CA2377870.

ClinVar aggregate classification (germline): Uncertain significance. Review status: criteria provided, single submitter (1 of 4 stars). 2 submissions from 2 submitters: Uncertain significance (1). 1 of the submissions does not count toward it. Last evaluated 2024-08-05.

Conditions:
Epidermolysis bullosa dystrophica inversa, autosomal recessive. Identifiers: MedGen C2673612.

Allele frequency attached by ClinVar (database versions not stated): ExAC below 0.00001; gnomAD 0.00001; gnomAD exomes 0.00001.
gnomAD v4.1: 14 of 1,613,392 alleles (0.00087%); highest among the groups gnomAD compares: Non-Finnish European, 0.00051%; no homozygotes.

Submissions (2):

Labcorp Genetics (formerly Invitae), Labcorp
Classification: Uncertain significance. Last evaluated: 2024-08-05. Review status: criteria provided, single submitter. Criteria: Invitae Variant Classification Sherloc (09022015). Collection method: clinical testing. Allele origin: germline.
Comment: This sequence change affects codon 2939 of the COL7A1 mRNA. It is a 'silent' change, meaning that it does not change the encoded amino acid sequence of the COL7A1 protein. It affects a nucleotide within the consensus splice site. This variant is present in population databases (rs766321543, gnomAD 0.02%). This variant has not been reported in the literature in individuals affected with COL7A1-related conditions. ClinVar contains an entry for this variant (Variation ID: 989691). Algorithms developed to predict the effect of sequence changes on RNA splicing suggest that this variant may disrupt the consensus splice site. In summary, the available evidence is currently insufficient to determine the role of this variant in disease. Therefore, it has been classified as a Variant of Uncertain Significance.

Natera, Inc.
Classification: Uncertain significance for Autosomal recessive epidermolysis bullosa dystrophica inversa. Last evaluated: 2020-11-14. Review status: no assertion criteria provided. Collection method: clinical testing. Allele origin: germline. Not counted in ClinVar's aggregate classification.